The following is an entry in ClinVar:

ClinVar aggregate classification (germline): Uncertain significance (1 of 4 stars; one submission).

Allele frequency attached by ClinVar (database versions not stated): gnomAD exomes below 0.00001; gnomAD 0.00001; ExAC 0.00002; ESP Exome Variant Server 0.00008.
gnomAD v4.1: 6 of 1,613,454 alleles (0.00037%); highest among the groups gnomAD compares: African/African-American, 0.0027%; no homozygotes.

Submission:

CeGaT Center for Human Genetics Tuebingen
Classification: Uncertain significance. Last evaluated: 2024-06-01. Review status: criteria provided, single submitter. Criteria: CeGaT Center For Human Genetics Tuebingen Variant Classification Criteria Version 2. Collection method: clinical testing. Allele origin: germline. Affected: yes. Observed: 1 variant allele.
Comment: DCHS1: PM2

NM_003737.4(DCHS1):c.6010G>C (p.Ala2004Pro)

Gene: DCHS1 (dachsous cadherin-related 1; minus strand). Cytogenetic location: 11p15.4.
Variant type: single nucleotide variant.
Coding change: c.6010G>C on transcript NM_003737.4 (MANE Select); coding-DNA position 6010, G replaced by C.
Protein change: p.Ala2004Pro; replaces alanine 2004 with proline.
Molecular consequence: missense variant.
Genome position (GRCh38, 1-based): chr11:6,627,029, C>G on the plus strand (G>C on the coding strand, the complement: DCHS1 is on the minus strand). VCF-style: chr11-6627029-C-G. GRCh37 (hg19) VCF-style: chr11-6648260-C-G.
Other names: short protein forms A2004P.
Identifiers: ClinVar variation 3250741 (VCV003250741.18), dbSNP rs150189719.
Genomic context (GRCh38, chr11:6,627,029, plus strand): 5'-GGGCCACGCGGATTTCACCAGTGTAAGAGTCCACAGTAGTGCCAGGAGGTGGTGTGCCTG[C>G]CAGCCGGTACAGAATGGAAGCATTGGCACCAGCATCACGATCTTCAGCTCTCAGTGTGGC-3'
Protein context (NP_003728.1, residues 1994-2014): GANASILYRL[Ala2004Pro]GTPPPGTTVD